The following is an entry in ClinVar:

ClinVar aggregate classification (germline): Likely pathogenic (1 of 4 stars; one submission).

Conditions:
Hereditary cancer-predisposing syndrome. Also called: Hereditary Cancer Syndrome; Neoplastic Syndromes, Hereditary; Tumor predisposition; Hereditary neoplastic syndrome. Identifiers: Orphanet 140162, MedGen C0027672, MeSH D009386, MONDO:0015356.

Submission:

Ambry Genetics
Classification: Likely pathogenic for Hereditary cancer-predisposing syndrome. Last evaluated: 2018-01-05. Review status: criteria provided, single submitter. Criteria: Ambry Variant Classification Scheme 2023. Collection method: clinical testing. Allele origin: germline.
Comment: The p.L1682P variant (also known as c.5045T>C), located in coding exon 38 of the TSC2 gene, results from a T to C substitution at nucleotide position 5045. The leucine at codon 1682 is replaced by proline, an amino acid with similar properties. This alteration is predicted to lie within the Rap-GAP domain and indicated to be structurally deleterious (Ambry internal data; Daumke O et al. Nature, 2004 May;429:197-201). This amino acid position is highly conserved in available vertebrate species. In addition, this alteration is predicted to be probably damaging and tolerated by PolyPhen and SIFT in silico analyses, respectively. Based on the majority of available evidence to date, this variant is likely to be pathogenic.

Literature cited by the submitters: PubMed 15141215; PubMed 24412076.

NM_000548.5(TSC2):c.5045T>C (p.Leu1682Pro)

Gene: TSC2 (TSC complex subunit 2; plus strand). Cytogenetic location: 16p13.3.
Variant type: single nucleotide variant.
Coding change: c.5045T>C on transcript NM_000548.5 (MANE Select); coding-DNA position 5045, T replaced by C.
Protein change: p.Leu1682Pro; replaces leucine 1682 with proline.
Molecular consequence: missense variant.
Genome position (GRCh38, 1-based): chr16:2,087,918, T>C. VCF-style: chr16-2087918-T-C. GRCh37 (hg19) VCF-style: chr16-2137919-T-C.
Other names: c.4844T>C, p.Leu1615Pro (NM_001077183.3); c.4976T>C, p.Leu1659Pro (NM_001114382.3); c.4736T>C, p.Leu1579Pro (NM_001318827.2); c.4700T>C, p.Leu1567Pro (NM_001318829.2); c.4313T>C, p.Leu1438Pro (NM_001318831.2); c.4877T>C, p.Leu1626Pro (NM_001318832.2); c.4847T>C, p.Leu1616Pro (NM_001363528.2); c.4913T>C, p.Leu1638Pro (NM_001370404.1); and 26 more; short protein forms L1459P, L1578P, L1579P, L1622P, L1638P, L1639P, L1656P, L1438P.
Identifiers: ClinVar variation 1744973 (VCV001744973.2), dbSNP rs2091055727, ClinGen allele CA394311502.